The following is an entry in ClinVar:

NM_004260.4(RECQL4):c.1756G>T (p.Gly586Trp)

Gene: RECQL4 (RecQ like helicase 4; minus strand). Cytogenetic location: 8q24.3.
Variant type: single nucleotide variant.
Coding change: c.1756G>T on transcript NM_004260.4 (MANE Select); coding-DNA position 1756, G replaced by T.
Protein change: p.Gly586Trp; replaces glycine 586 with tryptophan.
Molecular consequence: missense variant.
Genome position (GRCh38, 1-based): chr8:144,514,311, C>A on the plus strand (G>T on the coding strand, the complement: RECQL4 is on the minus strand). VCF-style: chr8-144514311-C-A. GRCh37 (hg19) VCF-style: chr8-145739695-C-A.
Other names: short protein forms G586W.
Identifiers: ClinVar variation 239705 (VCV000239705.3), dbSNP rs878854643, ClinGen allele CA10582565.

ClinVar aggregate classification (germline): Uncertain significance (1 of 4 stars; one submission).

Conditions:
Baller-Gerold syndrome (BGS). Also called: CRANIOSYNOSTOSIS WITH RADIAL DEFECTS. Identifiers: Orphanet 1225, MedGen C0265308, MONDO:0009039, OMIM 218600.

Allele frequency attached by ClinVar (database versions not stated): gnomAD exomes 0.00001.

Submission:

Labcorp Genetics (formerly Invitae), Labcorp
Classification: Uncertain significance for Baller-Gerold syndrome. Last evaluated: 2015-12-23. Review status: criteria provided, single submitter. Criteria: Invitae Variant Classification Sherloc (09022015). Collection method: clinical testing. Allele origin: germline.
Comment: This sequence change replaces glycine with tryptophan at codon 586 of the RECQL4 protein (p.Gly586Trp). The glycine residue is highly conserved and there is a large physicochemical difference between glycine and tryptophan. In summary, this is a novel missense change with uncertain impact on protein function. It has been classified as a Variant of Uncertain Significance. Algorithms developed to predict the effect of missense changes on protein structure and function do not agree on the potential impact of this missense change (SIFT: "Deleterious"; PolyPhen-2: "Probably damaging"; Align-GVGD: "C15"). This variant is not present in population databases (ExAC no frequency) and has not been reported in the literature in individuals with a RECQL4-related disease.